The following is an entry in ClinVar:

NM_005560.6(LAMA5):c.28G>T (p.Ala10Ser)

Genes: LAMA5 (laminin subunit alpha 5; minus strand), LOC130066305 (ATAC-STARR-seq lymphoblastoid silent region 13109; plus strand). Cytogenetic location: 20q13.33.
Variant type: single nucleotide variant.
Coding change: c.28G>T on transcript NM_005560.6 (MANE Select); coding-DNA position 28, G replaced by T.
Protein change: p.Ala10Ser; replaces alanine 10 with serine.
Molecular consequence: missense variant.
Genome position (GRCh38, 1-based): chr20:62,367,218, C>A on the plus strand (G>T on the coding strand, the complement: LAMA5 is on the minus strand). VCF-style: chr20-62367218-C-A. GRCh37 (hg19) VCF-style: chr20-60942274-C-A.
Other names: short protein forms A10S.
Identifiers: ClinVar variation 1602265 (VCV001602265.34), dbSNP rs572849050, ClinGen allele CA9944543.

ClinVar aggregate classification (germline): Benign/Likely benign. Review status: criteria provided, multiple submitters, no conflicts (2 of 4 stars). 4 submissions from 4 submitters: Benign (2); Likely benign (2). Last evaluated 2026-06-01.

Allele frequency attached by ClinVar (database versions not stated): 1000 Genomes Project 30x 0.00250; TOPMed 0.00393; 1000 Genomes Project 0.00459; gnomAD exomes 0.00504; gnomAD 0.00528 and 0.00549; ExAC 0.01136.
gnomAD v4.1: 8,393 of 1,206,076 alleles (0.7%); highest among the groups gnomAD compares: Non-Finnish European, 0.73%; 49 homozygotes.

Submissions (4):

CeGaT Center for Human Genetics Tuebingen
Classification: Likely benign. Last evaluated: 2026-06-01. Review status: criteria provided, single submitter. Criteria: CeGaT Center For Human Genetics Tuebingen Variant Classification Criteria Version 2. Collection method: clinical testing. Allele origin: germline. Affected: yes. Observed: 11 variant alleles.
Comment: LAMA5: BS2

Labcorp Genetics (formerly Invitae), Labcorp
Classification: Benign. Last evaluated: 2026-01-15. Review status: criteria provided, single submitter. Criteria: Invitae Variant Classification Sherloc (09022015). Collection method: clinical testing. Allele origin: germline.

Blueprint Genetics
Classification: Likely benign. Last evaluated: 2024-11-27. Review status: criteria provided, single submitter. Criteria: ACMG Guidelines, 2015. Collection method: clinical testing. Allele origin: germline.

Breakthrough Genomics
Classification: Benign. Review status: criteria provided, single submitter. Criteria: ACMG Guidelines, 2015. Collection method: not provided. Allele origin: germline. Inheritance: Autosomal recessive inheritance. Affected: yes.